The following is an entry in ClinVar:

ClinVar aggregate classification (germline): Uncertain significance. Review status: criteria provided, multiple submitters, no conflicts (2 of 4 stars). 2 submissions from 2 submitters: Uncertain significance (2). Last evaluated 2022-11-23.

Conditions:
Ataxia-telangiectasia syndrome (AT). Also called: Ataxia telangiectasia (A-T); LOUIS-BAR SYNDROME; Cerebello-oculocutaneous telangiectasia; Immunodeficiency with ataxia telangiectasia; Ataxia-telangiectasia, complementation group D; AT, COMPLEMENTATION GROUP C. Identifiers: Orphanet 100, MedGen C0004135, MONDO:0008840, OMIM 208900.
Hereditary cancer-predisposing syndrome. Also called: Hereditary neoplastic syndrome; Neoplastic Syndromes, Hereditary; Tumor predisposition; Hereditary Cancer Syndrome. Identifiers: Orphanet 140162, MedGen C0027672, MeSH D009386, MONDO:0015356.

Submissions (2):

Labcorp Genetics (formerly Invitae), Labcorp
Classification: Uncertain significance for Ataxia-telangiectasia syndrome. Last evaluated: 2022-11-23. Review status: criteria provided, single submitter. Criteria: Invitae Variant Classification Sherloc (09022015). Collection method: clinical testing. Allele origin: germline.
Comment: This sequence change replaces glycine, which is neutral and non-polar, with arginine, which is basic and polar, at codon 2533 of the ATM protein (p.Gly2533Arg). In summary, the available evidence is currently insufficient to determine the role of this variant in disease. Therefore, it has been classified as a Variant of Uncertain Significance. Algorithms developed to predict the effect of missense changes on protein structure and function (SIFT, PolyPhen-2, Align-GVGD) all suggest that this variant is likely to be disruptive. This variant has not been reported in the literature in individuals affected with ATM-related conditions. This variant is not present in population databases (gnomAD no frequency).

Ambry Genetics
Classification: Uncertain significance for Hereditary cancer-predisposing syndrome. Last evaluated: 2022-06-03. Review status: criteria provided, single submitter. Criteria: Ambry Variant Classification Scheme 2023. Collection method: clinical testing. Allele origin: germline.
Comment: The p.G2533R variant (also known as c.7597G>A), located in coding exon 50 of the ATM gene, results from a G to A substitution at nucleotide position 7597. The glycine at codon 2533 is replaced by arginine, an amino acid with dissimilar properties. This amino acid position is conserved. In addition, the in silico prediction for this alteration is inconclusive. Since supporting evidence is limited at this time, the clinical significance of this alteration remains unclear.

NM_000051.4(ATM):c.7597G>A (p.Gly2533Arg)

Genes: ATM (ATM serine/threonine kinase; plus strand), C11orf65 (chromosome 11 open reading frame 65; minus strand). Cytogenetic location: 11q22.3.
Variant type: single nucleotide variant.
Coding change: c.7597G>A on transcript NM_000051.4 (MANE Select); coding-DNA position 7597, G replaced by A.
Protein change: p.Gly2533Arg; replaces glycine 2533 with arginine.
Molecular consequence: missense variant. On other transcripts: non-coding transcript variant (1), intron variant (2).
Genome position (GRCh38, 1-based): chr11:108,331,525, G>A. VCF-style: chr11-108331525-G-A. GRCh37 (hg19) VCF-style: chr11-108202252-G-A.
Other names: c.7597G>A, p.Gly2533Arg (NM_001351834.2); c.641-22454C>T (NM_001330368.2); c.*38+3695C>T (NM_001351110.2); short protein forms G2533R.
Identifiers: ClinVar variation 1759674 (VCV001759674.5), dbSNP rs2136496908, ClinGen allele CA382560805.